The following is an entry in ClinVar:

NM_003884.5(KAT2B):c.852-5C>T

Gene: KAT2B (lysine acetyltransferase 2B; plus strand). Cytogenetic location: 3p24.3.
Variant type: single nucleotide variant.
Coding change: c.852-5C>T on transcript NM_003884.5 (MANE Select); 5 bases into the intron before coding-DNA position 852, C replaced by T.
Molecular consequence: intron variant.
Genome position (GRCh38, 1-based): chr3:20,111,591, C>T. VCF-style: chr3-20111591-C-T. GRCh37 (hg19) VCF-style: chr3-20153083-C-T.
Identifiers: ClinVar variation 3046932 (VCV003046932.2), dbSNP rs370344547, ClinGen allele CA2284480.

ClinVar aggregate classification (germline): Likely benign (0 of 4 stars; one submission).

Conditions:
KAT2B-related disorder. Also called: KAT2B-related condition.

Allele frequency attached by ClinVar (database versions not stated): ExAC 0.00001; gnomAD exomes 0.00001; gnomAD 0.00002; TOPMed 0.00003; ESP Exome Variant Server 0.00008.
gnomAD v4.1: 17 of 1,603,422 alleles (0.0011%); highest among the groups gnomAD compares: Admixed American, 0.015%; no homozygotes.

Submission:

PreventionGenetics, part of Exact Sciences
Classification: Likely benign for KAT2B-related condition. Last evaluated: 2022-12-20. Review status: no assertion criteria provided. Collection method: clinical testing. Allele origin: germline.
Comment: This variant is classified as likely benign based on ACMG/AMP sequence variant interpretation guidelines (Richards et al. 2015 PMID: 25741868, with internal and published modifications).